The following is an entry in ClinVar:

ClinVar aggregate classification (germline): Likely benign (1 of 4 stars; one submission).

Submission:

CeGaT Center for Human Genetics Tuebingen
Classification: Likely benign. Last evaluated: 2023-02-01. Review status: criteria provided, single submitter. Criteria: CeGaT Center For Human Genetics Tuebingen Variant Classification Criteria Version 2. Collection method: clinical testing. Allele origin: germline. Affected: yes. Observed: 1 variant allele.
Comment: PTPN11: PM2:Supporting, BP4, BP7

NM_002834.5(PTPN11):c.1362G>C (p.Pro454=)

Gene: PTPN11 (protein tyrosine phosphatase non-receptor type 11; plus strand). Cytogenetic location: 12q24.13.
Variant type: single nucleotide variant.
Coding change: c.1362G>C on transcript NM_002834.5 (MANE Select); coding-DNA position 1362, G replaced by C.
Protein change: p.Pro454=; no amino-acid change (proline 454 retained).
Molecular consequence: synonymous variant.
Genome position (GRCh38, 1-based): chr12:112,486,612, G>C. VCF-style: chr12-112486612-G-C. GRCh37 (hg19) VCF-style: chr12-112924416-G-C.
Other names: c.1374G>C, p.Pro458= (NM_001330437.2); c.1359G>C, p.Pro453= (NM_001374625.1); c.1362G>C, p.Pro454= (NM_080601.3).
Identifiers: ClinVar variation 2643342 (VCV002643342.24), dbSNP rs771967829, ClinGen allele CA481880999.